The following is an entry in ClinVar:

ClinVar aggregate classification (germline): Uncertain significance (1 of 4 stars; one submission).

Conditions:
Hereditary cancer-predisposing syndrome. Also called: Tumor predisposition; Hereditary neoplastic syndrome; Hereditary Cancer Syndrome; Neoplastic Syndromes, Hereditary. Identifiers: Orphanet 140162, MedGen C0027672, MeSH D009386, MONDO:0015356.

Submission:

Ambry Genetics
Classification: Uncertain significance for Hereditary cancer-predisposing syndrome. Last evaluated: 2025-03-24. Review status: criteria provided, single submitter. Criteria: Ambry Variant Classification Scheme 2023. Collection method: clinical testing. Allele origin: germline.
Comment: The p.N891D variant (also known as c.2671A>G), located in coding exon 19 of the TSC1 gene, results from an A to G substitution at nucleotide position 2671. The asparagine at codon 891 is replaced by aspartic acid, an amino acid with highly similar properties. This amino acid position is conserved. In addition, this alteration is predicted to be tolerated by in silico analysis. Based on the available evidence, the clinical significance of this variant remains unclear.

NM_000368.5(TSC1):c.2671A>G (p.Asn891Asp)

Gene: TSC1 (TSC complex subunit 1; minus strand). Cytogenetic location: 9q34.13.
Variant type: single nucleotide variant.
Coding change: c.2671A>G on transcript NM_000368.5 (MANE Select); coding-DNA position 2671, A replaced by G.
Protein change: p.Asn891Asp; replaces asparagine 891 with aspartic acid.
Molecular consequence: missense variant. On other transcripts: non-coding transcript variant (5).
Genome position (GRCh38, 1-based): chr9:132,897,565, T>C on the plus strand (A>G on the coding strand, the complement: TSC1 is on the minus strand). VCF-style: chr9-132897565-T-C. GRCh37 (hg19) VCF-style: chr9-135772952-T-C.
Other names: c.2473A>G, p.Asn825Asp (NM_001406613.1); c.2266A>G, p.Asn756Asp (NM_001406624.1); c.2263A>G, p.Asn755Asp (NM_001406625.1); c.1720A>G, p.Asn574Asp (NM_001406626.1); c.1717A>G, p.Asn573Asp (NM_001406627.1, NM_001406628.1); c.1618A>G, p.Asn540Asp (NM_001406629.1, NM_001406630.1); c.2671A>G, p.Asn891Asp (NM_001406595.1, NM_001406596.1, NM_001406592.1 and 2 more transcripts); c.2668A>G, p.Asn890Asp (NM_001406597.1, NM_001406598.1, NM_001406599.1 and 2 more transcripts); and 8 more; short protein forms N877D, N886D, N890D, N891D, N573D, N756D, N885D, N540D.
Identifiers: ClinVar variation 3974542 (VCV003974542.1).
Genomic context (GRCh38, chr9:132,897,565, plus strand): 5'-CCAAAATCCGTTTTTGGGAGGTATCAAGCCTCTGAGTCTGCTGGAGAACATGGCTTCTGT[T>C]TTTTTCTAGCTCTTTCCGATAGGCGGCTTTCATCATTTCTACTTCCTGAAAAAAAAAAAA-3'
Protein context (NP_000359.1, residues 881-901): KAAYRKELEK[Asn891Asp]RSHVLQQTQR